The following is an entry in ClinVar:

ClinVar aggregate classification (germline): Uncertain significance (1 of 4 stars; one submission).

Conditions:
Progressive microcephaly-seizures-cortical blindness-developmental delay syndrome. Also called: Seizures, cortical blindness, and microcephaly syndrome. Identifiers: Orphanet 477814, MedGen C5567650, MONDO:0014714, OMIM 616632.
Autosomal dominant nonsyndromic hearing loss 1. Also called: KONIGSMARK SYNDROME; DEAFNESS, AUTOSOMAL DOMINANT 1, WITH OR WITHOUT THROMBOCYTOPENIA. Identifiers: Orphanet 90635, MedGen C1852282, MONDO:0007424, OMIM 124900.

Submission:

Labcorp Genetics (formerly Invitae), Labcorp
Classification: Uncertain significance for Progressive microcephaly-seizures-cortical blindness-developmental delay syndrome; Autosomal dominant nonsyndromic hearing loss 1. Last evaluated: 2023-03-27. Review status: criteria provided, single submitter. Criteria: Invitae Variant Classification Sherloc (09022015). Collection method: clinical testing. Allele origin: germline.
Comment: In summary, the available evidence is currently insufficient to determine the role of this variant in disease. Therefore, it has been classified as a Variant of Uncertain Significance. Experimental studies and prediction algorithms are not available or were not evaluated, and the functional significance of this variant is currently unknown. This variant has not been reported in the literature in individuals affected with DIAPH1-related conditions. This variant is not present in population databases (gnomAD no frequency). This sequence change replaces glycine, which is neutral and non-polar, with alanine, which is neutral and non-polar, at codon 518 of the DIAPH1 protein (p.Gly518Ala).

NM_005219.5(DIAPH1):c.1553G>C (p.Gly518Ala)

Gene: DIAPH1 (diaphanous related formin 1; minus strand). Cytogenetic location: 5q31.3.
Variant type: single nucleotide variant.
Coding change: c.1553G>C on transcript NM_005219.5 (MANE Select); coding-DNA position 1553, G replaced by C.
Protein change: p.Gly518Ala; replaces glycine 518 with alanine.
Molecular consequence: missense variant.
Genome position (GRCh38, 1-based): chr5:141,575,055, C>G on the plus strand (G>C on the coding strand, the complement: DIAPH1 is on the minus strand). VCF-style: chr5-141575055-C-G. GRCh37 (hg19) VCF-style: chr5-140954622-C-G.
Other names: c.1526G>C, p.Gly509Ala (NM_001079812.3); c.1553G>C, p.Gly518Ala (NM_001314007.2); short protein forms G518A, G509A.
Identifiers: ClinVar variation 2933981 (VCV002933981.3), dbSNP rs2513745800, ClinGen allele CA361523699.